The following is an entry in ClinVar:

ClinVar aggregate classification (germline): Pathogenic (1 of 4 stars; one submission).

Conditions:
Primary ciliary dyskinesia 3. Identifiers: Orphanet 244, MedGen C1837618, MONDO:0012085, OMIM 608644.

Submission:

Myriad Genetics, Inc.
Classification: Pathogenic for Primary ciliary dyskinesia 3. Last evaluated: 2024-05-14. Review status: criteria provided, single submitter. Criteria: Myriad Autosomal Dominant, Autosomal Recessive and X-Linked Classification Criteria (2023). Collection method: clinical testing. Allele origin: unknown.
Comment: NM_001369.2(DNAH5):c.3016_3017ins17(S1006Mfs*35) is expected to be pathogenic in the context of primary ciliary dyskinesia, DNAH5-related. This variant is predicted to lead to an abnormal or absent protein product due to the creation of a premature termination codon in DNAH5, a gene where loss-of-function variants are known to be pathogenic. Please note: this variant was assessed in the context of healthy population screening.

NM_001369.3(DNAH5):c.3016_3017insTGTGTATAAGAGACAGT (p.Ser1006fs)

Genes: DNAH5 (dynein axonemal heavy chain 5; minus strand), DNAH5-AS1 (DNAH5 antisense RNA 1; plus strand). Cytogenetic location: 5p15.2.
Variant type: Insertion.
Coding change: c.3016_3017insTGTGTATAAGAGACAGT on transcript NM_001369.3 (MANE Select); coding-DNA positions 3016 to 3017, TGTGTATAAGAGACAGT inserted.
Protein change: p.Ser1006fs; shifts the reading frame from serine 1006.
Molecular consequence: frameshift variant.
Genome position: GRCh38 VCF-style: chr5-13883061-C-CACTGTCTCTTATACACA. GRCh37 (hg19) VCF-style: chr5-13883170-C-CACTGTCTCTTATACACA.
Other names: short protein forms S1006fs.
Identifiers: ClinVar variation 5010767 (VCV005010767.1).
Genomic context (GRCh38, chr5:13,883,061, plus strand): 5'-GCAGGGGCCATGACGATGTTGGGAATGGCCAGAGTGACGCTTGCCCGGAAAATGGGCAAA[C>CACTGTCTCTTATACACA]TGTTCTGCTTCATGTTAGAGGCACTGTTACTGTCTGAGTTAACCCAAAACAAGGAAGAAT-3'